The following is an entry in ClinVar:

ClinVar aggregate classification (germline): Uncertain significance (1 of 4 stars; one submission).

Conditions:
RYR1-related disorder. Also called: RYR1-related condition; RYR1-related disorders. Identifiers: MedGen CN239331.

Submission:

Labcorp Genetics (formerly Invitae), Labcorp
Classification: Uncertain significance for RYR1-related disorder. Last evaluated: 2020-03-22. Review status: criteria provided, single submitter. Criteria: Invitae Variant Classification Sherloc (09022015). Collection method: clinical testing. Allele origin: germline.
Comment: Algorithms developed to predict the effect of missense changes on protein structure and function (SIFT, PolyPhen-2, Align-GVGD) all suggest that this variant is likely to be tolerated, but these predictions have not been confirmed by published functional studies and their clinical significance is uncertain. This missense change is located in a region of the RYR1 protein where a significant number of previously reported RYR1 missense mutations are found (PMID: 16084090). These observations suggest that this may be a clinically significant region of the protein. In summary, the available evidence is currently insufficient to determine the role of this variant in disease. Therefore, it has been classified as a Variant of Uncertain Significance. This sequence change replaces alanine with glutamic acid at codon 4293 of the RYR1 protein (p.Ala4293Glu). The alanine residue is weakly conserved and there is a moderate physicochemical difference between alanine and glutamic acid. The frequency data for this variant in the population databases is considered unreliable, as metrics indicate insufficient coverage at this position in the ExAC database. This variant has not been reported in the literature in individuals with RYR1-related conditions.

Literature cited by the submitters: PubMed 16084090.

NM_000540.3(RYR1):c.12878C>A (p.Ala4293Glu)

Gene: RYR1 (ryanodine receptor 1; plus strand). Cytogenetic location: 19q13.2.
Variant type: single nucleotide variant.
Coding change: c.12878C>A on transcript NM_000540.3 (MANE Select); coding-DNA position 12878, C replaced by A.
Protein change: p.Ala4293Glu; replaces alanine 4293 with glutamic acid.
Molecular consequence: missense variant.
Genome position (GRCh38, 1-based): chr19:38,565,212, C>A. VCF-style: chr19-38565212-C-A. GRCh37 (hg19) VCF-style: chr19-39055852-C-A.
Other names: c.12863C>A, p.Ala4288Glu (NM_001042723.2); short protein forms A4288E, A4293E.
Identifiers: ClinVar variation 1058677 (VCV001058677.9), dbSNP rs1223090052, ClinGen allele CA405672427.